The following is an entry in ClinVar:

NM_003801.4(GPAA1):c.74+1G>A

Genes: GPAA1 (glycosylphosphatidylinositol anchor attachment 1; plus strand), LOC130001364 (ATAC-STARR-seq lymphoblastoid silent region 19654; plus strand). Cytogenetic location: 8q24.3.
Variant type: single nucleotide variant.
Coding change: c.74+1G>A on transcript NM_003801.4 (MANE Select); the canonical splice donor site of the intron after coding-DNA position 74, G replaced by A.
Molecular consequence: splice donor variant.
Genome position (GRCh38, 1-based): chr8:144,082,805, G>A. VCF-style: chr8-144082805-G-A. GRCh37 (hg19) VCF-style: chr8-145137708-G-A.
Identifiers: ClinVar variation 2863830 (VCV002863830.3), dbSNP rs2537313097, ClinGen allele CA372597340.

ClinVar aggregate classification (germline): Likely pathogenic (1 of 4 stars; one submission).

gnomAD v4.1: 1 of 1,460,356 alleles (0.000068%); no homozygotes.

Submission:

Labcorp Genetics (formerly Invitae), Labcorp
Classification: Likely pathogenic. Last evaluated: 2023-05-13. Review status: criteria provided, single submitter. Criteria: Invitae Variant Classification Sherloc (09022015). Collection method: clinical testing. Allele origin: germline.
Comment: Algorithms developed to predict the effect of sequence changes on RNA splicing suggest that this variant may disrupt the consensus splice site. In summary, the currently available evidence indicates that the variant is pathogenic, but additional data are needed to prove that conclusively. Therefore, this variant has been classified as Likely Pathogenic. This variant has not been reported in the literature in individuals affected with GPAA1-related conditions. This variant is not present in population databases (gnomAD no frequency). This sequence change affects a donor splice site in intron 1 of the GPAA1 gene. It is expected to disrupt RNA splicing. Variants that disrupt the donor or acceptor splice site typically lead to a loss of protein function (PMID: 16199547), and loss-of-function variants in GPAA1 are known to be pathogenic (PMID: 29100095).

Literature cited by the submitters: PubMed 16199547; PubMed 29100095.